The following is an entry in ClinVar:

NM_000219.6(KCNE1):c.315G>T (p.Ser105=)

Gene: KCNE1 (potassium voltage-gated channel subfamily E regulatory subunit 1; minus strand). Cytogenetic location: 21q22.12.
Variant type: single nucleotide variant.
Coding change: c.315G>T on transcript NM_000219.6 (MANE Select); coding-DNA position 315, G replaced by T.
Protein change: p.Ser105=; no amino-acid change (serine 105 retained).
Molecular consequence: synonymous variant.
Genome position (GRCh38, 1-based): chr21:34,449,320, C>A on the plus strand (G>T on the coding strand, the complement: KCNE1 is on the minus strand). VCF-style: chr21-34449320-C-A. GRCh37 (hg19) VCF-style: chr21-35821618-C-A.
Other names: c.315G>T, p.Ser105= (NM_001127668.4, NM_001127669.4, NM_001127670.4 and 4 more transcripts).
Identifiers: ClinVar variation 3374615 (VCV003374615.2).

Conditions:
Long QT syndrome 5 (LQT5). Identifiers: Orphanet 101016, Orphanet 768, MedGen C1867904, MONDO:0013372, OMIM 613695.

Submission:

Roden Lab, Vanderbilt University Medical Center
No classification provided (evidence only). Condition: Long QT syndrome 5. Review status: no classification provided. Collection method: in vitro. Allele origin: not applicable. Functional consequence: Effect on ion channel function.
ClinVar note: "not provided" was previously submitted as the classification for the variant. However, the classification appeared to be based only on an observation of functional data so it was converted to no classification on 2025-07-30.